The following is an entry in ClinVar:

ClinVar aggregate classification (germline): Likely pathogenic (1 of 4 stars; one submission).

Conditions:
Autosomal recessive nonsyndromic hearing loss 84B. Also called: Deafness, autosomal recessive 84b. Identifiers: Orphanet 90636, MedGen C3554159, MONDO:0013984, OMIM 614944.

gnomAD v4.1: 3 of 1,603,924 alleles (0.00019%); highest among the groups gnomAD compares: East Asian, 0.0067%; no homozygotes.

Submission:

Juno Genomics, Hangzhou Juno Genomics, Inc
Classification: Likely pathogenic for Autosomal recessive nonsyndromic hearing loss 84B. Review status: criteria provided, single submitter. Criteria: ACMG Guidelines, 2015. Collection method: clinical testing. Allele origin: germline.
Comment: Null variant in a gene where loss of function (LOF) is a known mechanism of disease.;Absent from controls (or at extremely low frequency if recessive) in Genome Aggregation Database.

NM_001378609.3(OTOGL):c.4061C>A (p.Ser1354Ter)

Gene: OTOGL (otogelin like; plus strand). Cytogenetic location: 12q21.31.
Variant type: single nucleotide variant.
Coding change: c.4061C>A on transcript NM_001378609.3 (MANE Select); coding-DNA position 4061, C replaced by A.
Protein change: p.Ser1354Ter; replaces serine 1354 with a stop codon.
Molecular consequence: nonsense.
Genome position (GRCh38, 1-based): chr12:80,320,680, C>A. VCF-style: chr12-80320680-C-A. GRCh37 (hg19) VCF-style: chr12-80714460-C-A.
Other names: c.3926C>A, p.Ser1309Ter (NM_001368062.3); c.4061C>A, p.Ser1354Ter (NM_001378610.3, NM_173591.7); short protein forms S1354*, S1309*.
Identifiers: ClinVar variation 5005168 (VCV005005168.2).